The following is an entry in ClinVar:

ClinVar aggregate classification (germline): Likely benign. Review status: criteria provided, multiple submitters, no conflicts (2 of 4 stars). 5 submissions from 5 submitters: Likely benign (5). Last evaluated 2025-12-30.

Conditions:
Lysinuric protein intolerance (LPI). Identifiers: Orphanet 470, MedGen C0268647, MONDO:0009109, OMIM 222700.

Allele frequency attached by ClinVar (database versions not stated): gnomAD exomes 0.00001; gnomAD 0.00003 and 0.00004; TOPMed 0.00004.
gnomAD v4.1: 29 of 1,614,126 alleles (0.0018%); highest among the groups gnomAD compares: African/African-American, 0.02%; no homozygotes.

Submissions (5):

Labcorp Genetics (formerly Invitae), Labcorp
Classification: Likely benign for Lysinuric protein intolerance. Last evaluated: 2025-12-30. Review status: criteria provided, single submitter. Criteria: Invitae Variant Classification Sherloc (09022015). Collection method: clinical testing. Allele origin: germline.

Mayo Clinic Laboratories, Mayo Clinic
Classification: Likely benign. Last evaluated: 2025-07-14. Review status: criteria provided, single submitter. Criteria: ACMG Guidelines, 2015. Collection method: clinical testing. Allele origin: germline. Observed: 1 variant allele.
Comment: BP4_moderate, PM2_supporting

Blueprint Genetics
Classification: Likely benign. Last evaluated: 2023-12-01. Review status: criteria provided, single submitter. Criteria: ACMG Guidelines, 2015. Collection method: clinical testing. Allele origin: germline.

Fulgent Genetics
Classification: Likely benign for Lysinuric protein intolerance. Last evaluated: 2021-09-16. Review status: criteria provided, single submitter. Criteria: ACMG Guidelines, 2015. Collection method: clinical testing. Allele origin: unknown.

GeneDx
Classification: Likely benign. Last evaluated: 2017-12-26. Review status: criteria provided, single submitter. Criteria: GeneDx Variant Classification (06012015). Collection method: clinical testing. Allele origin: germline. Affected: yes.
Comment: This variant is considered likely benign or benign based on one or more of the following criteria: it is a conservative change, it occurs at a poorly conserved position in the protein, it is predicted to be benign by multiple in silico algorithms, and/or has population frequency not consistent with disease.

NM_003982.4(SLC7A7):c.1362G>C (p.Leu454=)

Gene: SLC7A7 (solute carrier family 7 member 7; minus strand). Cytogenetic location: 14q11.2.
Variant type: single nucleotide variant.
Coding change: c.1362G>C on transcript NM_003982.4 (MANE Select); coding-DNA position 1362, G replaced by C.
Protein change: p.Leu454=; no amino-acid change (leucine 454 retained).
Molecular consequence: synonymous variant.
Genome position (GRCh38, 1-based): chr14:22,774,000, C>G on the plus strand (G>C on the coding strand, the complement: SLC7A7 is on the minus strand). VCF-style: chr14-22774000-C-G. GRCh37 (hg19) VCF-style: chr14-23243209-C-G.
Other names: p.Leu454=; c.1362G>C, p.Leu454= (NM_001126105.3, NM_001126106.4).
Identifiers: ClinVar variation 513964 (VCV000513964.12), dbSNP rs143853134, ClinGen allele CA257723751.